The following is an entry in ClinVar:

ClinVar aggregate classification (germline): Likely benign (1 of 4 stars; one submission).

Allele frequency attached by ClinVar (database versions not stated): 1000 Genomes Project 0.00459; gnomAD 0.00588.
gnomAD v4.1: 893 of 151,644 alleles (0.59%); highest among the groups gnomAD compares: Admixed American, 1.2%; 2 homozygotes.

Submission:

CeGaT Center for Human Genetics Tuebingen
Classification: Likely benign. Last evaluated: 2023-05-01. Review status: criteria provided, single submitter. Criteria: CeGaT Center For Human Genetics Tuebingen Variant Classification Criteria Version 2. Collection method: clinical testing. Allele origin: germline. Affected: yes. Observed: 2 variant alleles.
Comment: COQ8A: BS1

NM_020247.5(COQ8A):c.656-1038G>A

Gene: COQ8A (coenzyme Q8A; plus strand). Cytogenetic location: 1q42.13.
Variant type: single nucleotide variant.
Coding change: c.656-1038G>A on transcript NM_020247.5 (MANE Select); 1038 bases into the intron before coding-DNA position 656, G replaced by A.
Molecular consequence: intron variant.
Genome position (GRCh38, 1-based): chr1:226,976,411, G>A. VCF-style: chr1-226976411-G-A. GRCh37 (hg19) VCF-style: chr1-227164112-G-A.
Identifiers: ClinVar variation 1711242 (VCV001711242.30), dbSNP rs144395746, ClinGen allele CA38638727.